The following is an entry in ClinVar:

NM_000089.4(COL1A2):c.3470A>G (p.Lys1157Arg)

Gene: COL1A2 (collagen type I alpha 2 chain; plus strand). Cytogenetic location: 7q21.3.
Variant type: single nucleotide variant.
Coding change: c.3470A>G on transcript NM_000089.4 (MANE Select); coding-DNA position 3470, A replaced by G.
Protein change: p.Lys1157Arg; replaces lysine 1157 with arginine.
Molecular consequence: missense variant.
Genome position (GRCh38, 1-based): chr7:94,427,829, A>G. VCF-style: chr7-94427829-A-G. GRCh37 (hg19) VCF-style: chr7-94057141-A-G.
Other names: short protein forms K1157R.
Identifiers: ClinVar variation 1329760 (VCV001329760.2), dbSNP rs1469193234, ClinGen allele CA368226034.

ClinVar aggregate classification (germline): Uncertain significance (1 of 4 stars; one submission).

Allele frequency attached by ClinVar (database versions not stated): gnomAD exomes below 0.00001; gnomAD 0.00001.
gnomAD v4.1: 4 of 1,614,068 alleles (0.00025%); highest among the groups gnomAD compares: Admixed American, 0.0067%; no homozygotes.

Submission:

GeneDx
Classification: Uncertain significance. Last evaluated: 2021-06-21. Review status: criteria provided, single submitter. Criteria: GeneDx Variant Classification Process June 2021. Collection method: clinical testing. Allele origin: germline. Affected: yes.
Comment: Has not been previously published as pathogenic or benign to our knowledge; Not observed at significant frequency in large population cohorts (Lek et al., 2016); In silico analysis supports that this missense variant does not alter protein structure/function; Not located in the triple helical region, where the majority of pathogenic missense variants occur (Stenson et al., 2014); This variant is associated with the following publications: (PMID: 27535533)